The following is an entry in ClinVar:

ClinVar aggregate classification (germline): Uncertain significance. Review status: criteria provided, multiple submitters, no conflicts (2 of 4 stars). 2 submissions from 2 submitters: Uncertain significance (2). Last evaluated 2025-01-08.

Conditions:
Inborn genetic diseases. Identifiers: MedGen C0950123, MeSH D030342.

Allele frequency attached by ClinVar (database versions not stated): 1000 Genomes Project 30x 0.00016; ExAC 0.00018; 1000 Genomes Project 0.00020; gnomAD 0.00020; ESP Exome Variant Server 0.00025; TOPMed 0.00025; gnomAD exomes 0.00042.
gnomAD v4.1: 636 of 1,614,030 alleles (0.039%); highest among the groups gnomAD compares: Non-Finnish European, 0.05%; no homozygotes.

Submissions (2):

Ambry Genetics
Classification: Uncertain significance for Inborn genetic diseases. Last evaluated: 2025-01-08. Review status: criteria provided, single submitter. Criteria: Ambry Variant Classification Scheme 2023. Collection method: clinical testing. Allele origin: germline.

Labcorp Genetics (formerly Invitae), Labcorp
Classification: Uncertain significance. Last evaluated: 2022-01-04. Review status: criteria provided, single submitter. Criteria: Invitae Variant Classification Sherloc (09022015). Collection method: clinical testing. Allele origin: germline.
Comment: This sequence change replaces glutamic acid, which is acidic and polar, with glycine, which is neutral and non-polar, at codon 1354 of the FAT1 protein (p.Glu1354Gly). This variant is present in population databases (rs201001818, gnomAD 0.04%). This variant has not been reported in the literature in individuals affected with FAT1-related conditions. Algorithms developed to predict the effect of missense changes on protein structure and function are either unavailable or do not agree on the potential impact of this missense change (SIFT: "Deleterious"; PolyPhen-2: "Benign"; Align-GVGD: "Class C0"). In summary, the available evidence is currently insufficient to determine the role of this variant in disease. Therefore, it has been classified as a Variant of Uncertain Significance.

NM_005245.4(FAT1):c.4061A>G (p.Glu1354Gly)

Gene: FAT1 (FAT atypical cadherin 1; minus strand). Cytogenetic location: 4q35.2.
Variant type: single nucleotide variant.
Coding change: c.4061A>G on transcript NM_005245.4 (MANE Select); coding-DNA position 4061, A replaced by G.
Protein change: p.Glu1354Gly; replaces glutamic acid 1354 with glycine.
Molecular consequence: missense variant.
Genome position (GRCh38, 1-based): chr4:186,636,147, T>C on the plus strand (A>G on the coding strand, the complement: FAT1 is on the minus strand). VCF-style: chr4-186636147-T-C. GRCh37 (hg19) VCF-style: chr4-187557301-T-C.
Other names: short protein forms E1354G.
Identifiers: ClinVar variation 2062990 (VCV002062990.3), dbSNP rs201001818, ClinGen allele CA3166825.